The following is an entry in ClinVar:

NM_005045.4(RELN):c.1764-164G>A

Gene: RELN (reelin; minus strand). Cytogenetic location: 7q22.1.
Variant type: single nucleotide variant.
Coding change: c.1764-164G>A on transcript NM_005045.4 (MANE Select); 164 bases into the intron before coding-DNA position 1764, G replaced by A.
Molecular consequence: intron variant.
Genome position (GRCh38, 1-based): chr7:103,651,953, C>T on the plus strand (G>A on the coding strand, the complement: RELN is on the minus strand). VCF-style: chr7-103651953-C-T. GRCh37 (hg19) VCF-style: chr7-103292400-C-T.
Other names: c.1764-164G>A (NM_173054.3).
Identifiers: ClinVar variation 677767 (VCV000677767.2), dbSNP rs138478658, ClinGen allele CA163940472.

ClinVar aggregate classification (germline): Likely benign. Review status: criteria provided, multiple submitters, no conflicts (2 of 4 stars). 2 submissions from 2 submitters: Likely benign (2). Last evaluated 2018-06-16.

Allele frequency attached by ClinVar (database versions not stated): 1000 Genomes Project 30x 0.00437; 1000 Genomes Project 0.00459; gnomAD 0.00899 and 0.00931; TOPMed 0.00971.
gnomAD v4.1: 1,373 of 152,188 alleles (0.9%); highest among the groups gnomAD compares: Admixed American, 2.1%; 9 homozygotes.

Submissions (2):

GeneDx
Classification: Likely benign. Last evaluated: 2018-06-16. Review status: criteria provided, single submitter. Criteria: GeneDx Variant Classification (06012015). Collection method: clinical testing. Allele origin: germline. Affected: yes.
Comment: This variant is considered likely benign or benign based on one or more of the following criteria: it is a conservative change, it occurs at a poorly conserved position in the protein, it is predicted to be benign by multiple in silico algorithms, and/or has population frequency not consistent with disease.

Breakthrough Genomics
Classification: Likely benign. Review status: criteria provided, single submitter. Criteria: ACMG Guidelines, 2015. Collection method: not provided. Allele origin: germline. Inheritance: Autosomal recessive inheritance. Affected: yes.